The following is an entry in ClinVar:

ClinVar aggregate classification (germline): Benign (1 of 4 stars; one submission).

Allele frequency attached by ClinVar (database versions not stated): ESP Exome Variant Server 0.23507; gnomAD 0.25219 and 0.25948; TOPMed 0.25827; gnomAD exomes 0.26721 and 0.29328; ExAC 0.31174; 1000 Genomes Project 30x 0.32199; 1000 Genomes Project 0.32987.
gnomAD v4.1: 417,550 of 1,564,104 alleles (27%); highest among the groups gnomAD compares: East Asian, 53%; 58,789 homozygotes.

Submission:

Laboratory for Molecular Medicine, Mass General Brigham Personalized Medicine
Classification: Benign. Last evaluated: 2016-03-29. Review status: criteria provided, single submitter. Criteria: LMM Criteria. Collection method: clinical testing. Allele origin: germline.
Comment: Variant identified in a genome or exome case(s) and assessed due to predicted null impact of the variant or pathogenic assertions in the literature or databases. Disclaimer: This variant has not undergone full assessment. The following are preliminary notes: Frequency

NM_178425.4(HDAC9):c.1872A>G (p.Pro624=)

Gene: HDAC9 (histone deacetylase 9; plus strand). Cytogenetic location: 7p21.1.
Variant type: single nucleotide variant.
Coding change: c.1872A>G on transcript NM_178425.4 (MANE Select); coding-DNA position 1872, A replaced by G.
Protein change: p.Pro624=; no amino-acid change (proline 624 retained).
Molecular consequence: synonymous variant.
Genome position (GRCh38, 1-based): chr7:18,727,720, A>G. VCF-style: chr7-18727720-A-G. GRCh37 (hg19) VCF-style: chr7-18767343-A-G.
Other names: c.1797A>G, p.Pro599= (NM_001321868.2); c.1740A>G, p.Pro580= (NM_001321877.2, NM_001321897.2); c.1863A>G, p.Pro621= (NM_058176.2, NM_178423.3).
Identifiers: ClinVar variation 402927 (VCV000402927.4), dbSNP rs1178127, ClinGen allele CA4173988.